The following is an entry in ClinVar:

NM_000396.4(CTSK):c.935G>A (p.Arg312Gln)

Gene: CTSK (cathepsin K; minus strand). Cytogenetic location: 1q21.3.
Variant type: single nucleotide variant.
Coding change: c.935G>A on transcript NM_000396.4 (MANE Select); coding-DNA position 935, G replaced by A.
Protein change: p.Arg312Gln; replaces arginine 312 with glutamine.
Molecular consequence: missense variant.
Genome position (GRCh38, 1-based): chr1:150,796,854, C>T on the plus strand (G>A on the coding strand, the complement: CTSK is on the minus strand). VCF-style: chr1-150796854-C-T. GRCh37 (hg19) VCF-style: chr1-150769330-C-T.
Other names: short protein forms R312Q.
Identifiers: ClinVar variation 3730833 (VCV003730833.3).

ClinVar aggregate classification (germline): Uncertain significance. Review status: criteria provided, multiple submitters, no conflicts (2 of 4 stars). 2 submissions from 2 submitters: Uncertain significance (2). Last evaluated 2025-12-04.

Conditions:
Pyknodysostosis. Also called: Pycnodysostosis. Identifiers: Orphanet 763, MedGen C0238402, MONDO:0009940, OMIM 265800.

gnomAD v4.1: 5 of 1,613,976 alleles (0.00031%); highest among the groups gnomAD compares: African/African-American, 0.0013%; no homozygotes.

Submissions (2):

3billion
Classification: Uncertain significance for Pyknodysostosis. Last evaluated: 2025-12-04. Review status: criteria provided, single submitter. Criteria: ACMG Guidelines, 2015. Collection method: clinical testing. Allele origin: germline. Affected: yes.
Comment: The variant is observed at an extremely low frequency in the gnomAD v4.1.0 dataset (total allele frequency: <0.001%). Predicted Consequence/Location: Missense variant In silico tool predictions suggest damaging effect of the variant on gene or gene product [REVEL: 0.72 (>=0.6, sensitivity 0.68 and specificity 0.92)]. A different missense change at the same codon (p.Arg312Gly) have been reported as pathogenic/likely pathogenic with strong evidence (ClinVar ID: VCV000370960 /PMID: 10074491). Therefore, this variant is classified as VUS according to the recommendation of ACMG/AMP guideline.

Labcorp Genetics (formerly Invitae), Labcorp
Classification: Uncertain significance. Last evaluated: 2024-03-17. Review status: criteria provided, single submitter. Criteria: Invitae Variant Classification Sherloc (09022015). Collection method: clinical testing. Allele origin: germline.
Comment: This sequence change replaces arginine, which is basic and polar, with glutamine, which is neutral and polar, at codon 312 of the CTSK protein (p.Arg312Gln). This variant is not present in population databases (gnomAD no frequency). This variant has not been reported in the literature in individuals affected with CTSK-related conditions. Advanced modeling of protein sequence and biophysical properties (such as structural, functional, and spatial information, amino acid conservation, physicochemical variation, residue mobility, and thermodynamic stability) performed at Invitae indicates that this missense variant is not expected to disrupt CTSK protein function with a negative predictive value of 80%. In summary, the available evidence is currently insufficient to determine the role of this variant in disease. Therefore, it has been classified as a Variant of Uncertain Significance.

Literature cited by the submitters: PubMed 10074491 (cited by 3billion).